The following is an entry in ClinVar:

ClinVar aggregate classification (germline): Likely benign. Review status: reviewed by expert panel (3 of 4 stars). 2 submissions from 2 submitters: Likely benign (1). 1 of the submissions does not count toward it. Last evaluated 2024-03-07.

Conditions:
Glanzmann thrombasthenia. Also called: BLEEDING DISORDER, PLATELET-TYPE, 2; THROMBASTHENIA OF GLANZMANN AND NAEGELI; PLATELET GLYCOPROTEIN IIb-IIIa DEFICIENCY; Thrombasthenia; Glanzmann's thrombasthenia. Identifiers: Orphanet 849, MedGen C0040015, MONDO:0100326.

gnomAD v4.1: 2 of 1,614,090 alleles (0.00012%); highest among the groups gnomAD compares: African/African-American, 0.0027%; no homozygotes.

Submissions (2):

ClinGen Platelet Disorders Variant Curation Expert Panel, ClinGen
Classification: Likely benign for Glanzmann thrombasthenia. Last evaluated: 2024-03-07. Review status: reviewed by expert panel. Criteria: ClinGen Platelet ACMG Specifications v2-1. Collection method: curation. Allele origin: germline. Inheritance: Autosomal recessive inheritance.
Comment: The NM_000212.3(ITGB3):c.1764G>C (p.Thr588=) variant is a synonymous variant that is not predicted by SpliceAI to impact splicing (BP4). In addition, it occurs at a nucleotide that is not conserved as shown by phyloP score of -8.25384 (BP7). The highest population minor allele frequency in gnomAD v2.1.1 is 0.00006153 (1/16252 alleles) in the African American population, which is lower than the ClinGen PD VCEP threshold (<0.0001; PM2_Supporting). Due to conflicting evidence, this variant is classified as likely benign for autosomal recessive Glanzmann thrombasthenia based on the ACMG/AMP criteria applied, as specified by the ClinGen PD-VCEP: BP7, BP4, PM2_Supporting (VCEP specifications version 2.1).

Labcorp Genetics (formerly Invitae), Labcorp
Classification: Likely benign. Last evaluated: 2023-11-11. Review status: criteria provided, single submitter. Criteria: Invitae Variant Classification Sherloc (09022015). Collection method: clinical testing. Allele origin: germline. Not counted in ClinVar's aggregate classification.

NM_000212.3(ITGB3):c.1764G>C (p.Thr588=)

Gene: ITGB3 (integrin subunit beta 3; plus strand). Cytogenetic location: 17q21.32.
Variant type: single nucleotide variant.
Coding change: c.1764G>C on transcript NM_000212.3 (MANE Select); coding-DNA position 1764, G replaced by C.
Protein change: p.Thr588=; no amino-acid change (threonine 588 retained).
Molecular consequence: synonymous variant.
Genome position (GRCh38, 1-based): chr17:47,299,381, G>C. VCF-style: chr17-47299381-G-C. GRCh37 (hg19) VCF-style: chr17-45376747-G-C.
Other names: NM_000212.3(ITGB3):c.1764G>C; p.Thr588=.
Identifiers: ClinVar variation 759891 (VCV000759891.8), dbSNP rs763874595, ClinGen allele CA500435385.